The following is an entry in ClinVar:

NM_003055.3(SLC18A3):c.85C>T (p.Arg29Trp)

Genes: SLC18A3 (solute carrier family 18 member A3; plus strand), CHAT (choline O-acetyltransferase; plus strand). Cytogenetic location: 10q11.23.
Variant type: single nucleotide variant.
Coding change: c.85C>T on transcript NM_003055.3 (MANE Select); coding-DNA position 85, C replaced by T.
Protein change: p.Arg29Trp; replaces arginine 29 with tryptophan.
Molecular consequence: missense variant. On other transcripts: intron variant (1).
Genome position (GRCh38, 1-based): chr10:49,610,825, C>T. VCF-style: chr10-49610825-C-T. GRCh37 (hg19) VCF-style: chr10-50818871-C-T.
Other names: c.-69+1626C>T (NM_020984.4); short protein forms R29W.
Identifiers: ClinVar variation 732977 (VCV000732977.39), dbSNP rs8187734, ClinGen allele CA5496683.

ClinVar aggregate classification (germline): Conflicting classifications of pathogenicity. Review status: criteria provided, conflicting classifications (1 of 4 stars). 4 submissions from 4 submitters: Uncertain significance (1); Likely benign (2). 1 of the submissions does not count toward it. Last evaluated 2026-01-09.

Conditions:
Congenital myasthenic syndrome 21. Also called: Myasthenic syndrome, congenital, 21, presynaptic. Identifiers: MedGen C4310654, MONDO:0014983, OMIM 617239.
SLC18A3-related disorder. Also called: SLC18A3-related condition.

Allele frequency attached by ClinVar (database versions not stated): 1000 Genomes Project 0.00100; 1000 Genomes Project 30x 0.00094; ESP Exome Variant Server 0.00177; TOPMed 0.00205; gnomAD 0.00207.
gnomAD v4.1: 543 of 1,606,874 alleles (0.034%); highest among the groups gnomAD compares: African/African-American, 0.67%; 2 homozygotes.

Submissions (4):

Labcorp Genetics (formerly Invitae), Labcorp
Classification: Likely benign. Last evaluated: 2026-01-09. Review status: criteria provided, single submitter. Criteria: Invitae Variant Classification Sherloc (09022015). Collection method: clinical testing. Allele origin: germline.

CeGaT Center for Human Genetics Tuebingen
Classification: Likely benign. Last evaluated: 2022-07-01. Review status: criteria provided, single submitter. Criteria: CeGaT Center For Human Genetics Tuebingen Variant Classification Criteria Version 2. Collection method: clinical testing. Allele origin: germline. Affected: yes. Observed: 1 variant allele.
Comment: SLC18A3: BS2

Baylor Genetics
Classification: Uncertain significance for Congenital myasthenic syndrome 21. Last evaluated: 2018-01-29. Review status: criteria provided, single submitter. Criteria: ACMG Guidelines, 2015. Collection method: clinical testing. Allele origin: unknown. Affected: yes.
Comment: This variant was determined to be of uncertain significance according to ACMG Guidelines, 2015 [PMID:25741868].

PreventionGenetics, part of Exact Sciences
Classification: Benign for SLC18A3-related condition. Last evaluated: 2020-06-17. Review status: no assertion criteria provided. Collection method: clinical testing. Allele origin: germline. Not counted in ClinVar's aggregate classification.
Comment: This variant is classified as benign based on ACMG/AMP sequence variant interpretation guidelines (Richards et al. 2015 PMID: 25741868, with internal and published modifications).